The following is an entry in ClinVar:

NM_017866.6(TMEM70):c.227A>G (p.Glu76Gly)

Gene: TMEM70 (transmembrane protein 70; plus strand). Cytogenetic location: 8q21.11.
Variant type: single nucleotide variant.
Coding change: c.227A>G on transcript NM_017866.6 (MANE Select); coding-DNA position 227, A replaced by G.
Protein change: p.Glu76Gly; replaces glutamic acid 76 with glycine.
Molecular consequence: missense variant. On other transcripts: non-coding transcript variant (1).
Genome position (GRCh38, 1-based): chr8:73,978,772, A>G. VCF-style: chr8-73978772-A-G. GRCh37 (hg19) VCF-style: chr8-74891007-A-G.
Other names: c.227A>G, p.Glu76Gly (NM_001040613.3); short protein forms E76G.
Identifiers: ClinVar variation 2005499 (VCV002005499.4), dbSNP rs2131233746, ClinGen allele CA371489521.

ClinVar aggregate classification (germline): Uncertain significance (1 of 4 stars; one submission).

Conditions:
Mitochondrial complex V (ATP synthase) deficiency, nuclear type 2. Also called: ENCEPHALOCARDIOMYOPATHY, MITOCHONDRIAL, NEONATAL, DUE TO ATP SYNTHASE DEFICIENCY; Nuclear-Encoded ATPase Deficiency, TMEM70-Related; MITOCHONDRIAL COMPLEX V (ATP SYNTHASE) DEFICIENCY, TMEM70 TYPE. Identifiers: Orphanet 1194, MedGen C3279699, MONDO:0013546, OMIM 614052.

Allele frequency attached by ClinVar (database versions not stated): gnomAD exomes below 0.00001.
gnomAD v4.1: 2 of 1,613,922 alleles (0.00012%); highest among the groups gnomAD compares: East Asian, 0.0045%; no homozygotes.

Submission:

Labcorp Genetics (formerly Invitae), Labcorp
Classification: Uncertain significance for Mitochondrial complex V (ATP synthase) deficiency, nuclear type 2. Last evaluated: 2022-06-13. Review status: criteria provided, single submitter. Criteria: Invitae Variant Classification Sherloc (09022015). Collection method: clinical testing. Allele origin: germline.
Comment: In summary, the available evidence is currently insufficient to determine the role of this variant in disease. Therefore, it has been classified as a Variant of Uncertain Significance. Algorithms developed to predict the effect of missense changes on protein structure and function output the following: SIFT: "Tolerated"; PolyPhen-2: "Benign"; Align-GVGD: "Class C0". The glycine amino acid residue is found in multiple mammalian species, which suggests that this missense change does not adversely affect protein function. This variant has not been reported in the literature in individuals affected with TMEM70-related conditions. This variant is not present in population databases (gnomAD no frequency). This sequence change replaces glutamic acid, which is acidic and polar, with glycine, which is neutral and non-polar, at codon 76 of the TMEM70 protein (p.Glu76Gly).